The following is an entry in ClinVar:

ClinVar aggregate classification (germline): Uncertain significance (1 of 4 stars; one submission).

Submission:

Dasa
Classification: Uncertain significance. Last evaluated: 2025-04-03. Review status: criteria provided, single submitter. Criteria: DASA Assertion Criteria. Collection method: clinical testing. Allele origin: germline.
Comment: NM_001368397.1(FRMPD4):c.94A>C (p.Ser32Arg) is a missense variant that results in the substitution of serine with arginine. This variant is absent from population databases. Computational prediction algorithms are consistent with a benign effect. The currently available literature and clinical evidence are not sufficient to establish a definitive association between this variant and the reported condition. Therefore, this variant is classified as a variant of uncertain significance.

NM_001368397.1(FRMPD4):c.94A>C (p.Ser32Arg)

Gene: FRMPD4 (FERM and PDZ domain containing 4; plus strand). Cytogenetic location: Xp22.2.
Variant type: single nucleotide variant.
Coding change: c.94A>C on transcript NM_001368397.1 (MANE Select); coding-DNA position 94, A replaced by C.
Protein change: p.Ser32Arg; replaces serine 32 with arginine.
Molecular consequence: missense variant. On other transcripts: 5 prime UTR variant (1).
Genome position (GRCh38, 1-based): chrX:12,498,732, A>C. VCF-style: chrX-12498732-A-C. GRCh37 (hg19) VCF-style: chrX-12516851-A-C.
Other names: c.205A>C, p.Ser69Arg (NM_001368395.3, NM_001368398.3); c.94A>C, p.Ser32Arg (NM_001368396.3, NM_014728.3); c.85A>C, p.Ser29Arg (NM_001368399.3); c.-27A>C (NM_001368400.3); c.70A>C, p.Ser24Arg (NM_001368401.1, NM_001368402.3); short protein forms S24R, S29R, S32R, S69R.
Identifiers: ClinVar variation 4885511 (VCV004885511.2).